The following is an entry in ClinVar:

ClinVar aggregate classification (germline): Uncertain significance (1 of 4 stars; one submission).

gnomAD v4.1: 1 of 1,536,260 alleles (0.000065%); highest among the groups gnomAD compares: Admixed American, 0.0017%; no homozygotes.

Submission:

Women's Health and Genetics/Laboratory Corporation of America, LabCorp
Classification: Uncertain significance. Last evaluated: 2024-09-17. Review status: criteria provided, single submitter. Criteria: LabCorp Variant Classification Summary - May 2015. Collection method: clinical testing. Allele origin: germline.
Comment: Variant summary: HOXA11 c.*11G>T is located in the untranslated mRNA region downstream of the termination codon. The variant allele was found at a frequency of 4e-06 in 250428 control chromosomes. The available data on variant occurrences in the general population are insufficient to allow any conclusion about variant significance. To our knowledge, no occurrence of c.*11G>T in individuals affected with Radioulnar Synostosis With Amegakaryocytic Thrombocytopenia 1 and no experimental evidence demonstrating its impact on protein function have been reported. No submitters have cited clinical-significance assessments for this variant to ClinVar. Based on the evidence outlined above, the variant was classified as uncertain significance.

NM_005523.6(HOXA11):c.*11G>T

Gene: HOXA11 (homeobox A11; minus strand). Cytogenetic location: 7p15.2.
Variant type: single nucleotide variant.
Coding change: c.*11G>T on transcript NM_005523.6 (MANE Select); 11 bases downstream of the stop codon, G replaced by T.
Molecular consequence: 3 prime UTR variant.
Genome position (GRCh38, 1-based): chr7:27,182,785, C>A on the plus strand (G>T on the coding strand, the complement: HOXA11 is on the minus strand). VCF-style: chr7-27182785-C-A. GRCh37 (hg19) VCF-style: chr7-27222404-C-A.
Identifiers: ClinVar variation 3375440 (VCV003375440.1).